The following is an entry in ClinVar:

ClinVar aggregate classification (germline): Pathogenic. Review status: criteria provided, multiple submitters, no conflicts (2 of 4 stars). 2 submissions from 2 submitters: Pathogenic (2). Last evaluated 2026-04-20.

Conditions:
Inflammatory bowel disease 25. Also called: Inflammatory bowel disease 25, early onset, autosomal recessive. Identifiers: Orphanet 238569, MedGen C2675508, MONDO:0012941, OMIM 612567.

gnomAD v4.1: 21 of 1,613,754 alleles (0.0013%); highest among the groups gnomAD compares: Admixed American, 0.01%; no homozygotes.

Submissions (2):

Precision Medical Center, Wuhan Children's Hospital
Classification: Pathogenic for Inflammatory bowel disease 25. Last evaluated: 2026-04-20. Review status: criteria provided, single submitter. Criteria: ACMG Guidelines, 2015. Collection method: clinical testing. Allele origin: germline. Inheritance: Autosomal recessive inheritance. Affected: yes. Observed: 1 variant allele, 1 compound heterozygote.
Comment: The NM_000628.5 c.574C>T, is a nonsense variant in IL10RB which is predicted to result in a premature stop codon at position 192, and likely results in an absent or disrupted protein product (PVS1). The variation does not exist or is very rare in the population database (PM2). In recessive genetic diseases (AR), pathogenic variations are detected at the trans allele. In summary, this variant meets criteria to be classified as pathogenic

Clinical Bioinformatic Lab, Royan Institute
Classification: Pathogenic for Inflammatory bowel disease 25. Review status: criteria provided, single submitter. Criteria: ACMG Guidelines, 2015. Collection method: research. Allele origin: germline. Inheritance: Autosomal recessive inheritance. Affected: yes.
Comment: The NM_000628.5 c.574C>T, is a nonsense variant in IL10RB which is predicted to result in a premature stop codon at position192, and likely results in an absent or disrupted protein product (PVS1). Well stablished functional studies support damaging effect of variant (PS3). A similar change of the same amino acid was described as pathogenic (PM5). The allele frequency database GNOMAD (V.2.1.1), with mainly healthy persons, records 2 heterozygote carrier for variant p.Arg192Ter. There is no homozygote carrier in GNOMAD. In summary, this variant meets criteria to be classified as pathogenic for inflammatory bowel disease based on the ACMG/AMP criteria applied.

Literature cited by the submitters: PubMed 31269551 (cited by Precision Medical Center, Wuhan Children's Hospital).

NM_000628.5(IL10RB):c.574C>T (p.Arg192Ter)

Genes: IFNAR2-IL10RB (IFNAR2-IL10RB readthrough; plus strand), IL10RB (interleukin 10 receptor subunit beta; plus strand). Cytogenetic location: 21q22.11.
Variant type: single nucleotide variant.
Coding change: c.574C>T on transcript NM_000628.5 (MANE Select); coding-DNA position 574, C replaced by T.
Protein change: p.Arg192Ter; replaces arginine 192 with a stop codon.
Molecular consequence: nonsense. On other transcripts: non-coding transcript variant (1).
Genome position (GRCh38, 1-based): chr21:33,283,169, C>T. VCF-style: chr21-33283169-C-T. GRCh37 (hg19) VCF-style: chr21-34655474-C-T.
Other names: c.1234C>T, p.Arg412Ter (NM_001414505.1); c.574C>T, p.Arg192Ter (NM_001405849.1, NM_001405850.1, NM_001406840.1); short protein forms R192*, R412*.
Identifiers: ClinVar variation 3775101 (VCV003775101.2).